The following is an entry in ClinVar:

NM_001100.4(ACTA1):c.69C>A (p.Phe23Leu)

Gene: ACTA1 (actin alpha 1, skeletal muscle; minus strand). Cytogenetic location: 1q42.13.
Variant type: single nucleotide variant.
Coding change: c.69C>A on transcript NM_001100.4 (MANE Select); coding-DNA position 69, C replaced by A.
Protein change: p.Phe23Leu; replaces phenylalanine 23 with leucine.
Molecular consequence: missense variant.
Genome position (GRCh38, 1-based): chr1:229,433,047, G>T on the plus strand (C>A on the coding strand, the complement: ACTA1 is on the minus strand). VCF-style: chr1-229433047-G-T. GRCh37 (hg19) VCF-style: chr1-229568794-G-T.
Other names: short protein forms F23L.
Identifiers: ClinVar variation 2756194 (VCV002756194.3), dbSNP rs1339913000, ClinGen allele CA345151532.
Genomic context (GRCh38, chr1:229,433,047, plus strand): 5'-CTGGTGTCGGGGGCGGCCCACGATGGACGGGAACACGGCCCTAGGGGCGTCATCCCCGGC[G>T]AAGCCGGCTTTCACCAGGCCGGAGCCATTGTCGCACACGAGGGCGGTGGTCTCGTCTTCG-3'
Protein context (NP_001091.1, residues 13-33): DNGSGLVKAG[Phe23Leu]AGDDAPRAVF

ClinVar aggregate classification (germline): Uncertain significance (1 of 4 stars; one submission).

Conditions:
Actin accumulation myopathy (CMYO2A). Also called: CONGENITAL MYOPATHY 2A, TYPICAL, AUTOSOMAL DOMINANT; Myopathy, actin, congenital, with cores; Nemaline myopathy 3, with intranuclear rods; Nemaline myopathy type 3; Myopathy, actin, congenital, with excess of thin myofilaments. Identifiers: Orphanet 98904, MedGen C3711389, MONDO:0008070, OMIM 161800.

Submission:

Labcorp Genetics (formerly Invitae), Labcorp
Classification: Uncertain significance for Actin accumulation myopathy. Last evaluated: 2023-08-28. Review status: criteria provided, single submitter. Criteria: Invitae Variant Classification Sherloc (09022015). Collection method: clinical testing. Allele origin: germline.
Comment: This sequence change replaces phenylalanine, which is neutral and non-polar, with leucine, which is neutral and non-polar, at codon 23 of the ACTA1 protein (p.Phe23Leu). This variant is not present in population databases (gnomAD no frequency). In summary, the available evidence is currently insufficient to determine the role of this variant in disease. Therefore, it has been classified as a Variant of Uncertain Significance. Advanced modeling of protein sequence and biophysical properties (such as structural, functional, and spatial information, amino acid conservation, physicochemical variation, residue mobility, and thermodynamic stability) performed at Invitae indicates that this missense variant is not expected to disrupt ACTA1 protein function. This variant has not been reported in the literature in individuals affected with ACTA1-related conditions.